The following is an entry in ClinVar:

ClinVar aggregate classification (germline): Uncertain significance (1 of 4 stars; one submission).

Allele frequency attached by ClinVar (database versions not stated): gnomAD exomes below 0.00001.

Submission:

Labcorp Genetics (formerly Invitae), Labcorp
Classification: Uncertain significance. Last evaluated: 2025-04-07. Review status: criteria provided, single submitter. Criteria: Invitae Variant Classification Sherloc (09022015). Collection method: clinical testing. Allele origin: germline.
Comment: This sequence change replaces alanine, which is neutral and non-polar, with valine, which is neutral and non-polar, at codon 220 of the RP1L1 protein (p.Ala220Val). This variant is not present in population databases (gnomAD no frequency). This variant has not been reported in the literature in individuals affected with RP1L1-related conditions. ClinVar contains an entry for this variant (Variation ID: 1381742). Invitae Evidence Modeling of protein sequence and biophysical properties (such as structural, functional, and spatial information, amino acid conservation, physicochemical variation, residue mobility, and thermodynamic stability) indicates that this missense variant is not expected to disrupt RP1L1 protein function with a negative predictive value of 80%. In summary, the available evidence is currently insufficient to determine the role of this variant in disease. Therefore, it has been classified as a Variant of Uncertain Significance.

NM_178857.6(RP1L1):c.659C>T (p.Ala220Val)

Gene: RP1L1 (RP1 like 1). Cytogenetic location: 8p23.1.
Variant type: single nucleotide variant.
Coding change: c.659C>T on transcript NM_178857.6 (MANE Select); coding-DNA position 659, C replaced by T.
Protein change: p.Ala220Val; replaces alanine 220 with valine.
Molecular consequence: missense variant.
Genome position (GRCh38, 1-based): chr8:10,616,538, G>A on the plus strand (C>T on the coding strand, the complement: RP1L1 is on the minus strand). VCF-style: chr8-10616538-G-A. GRCh37 (hg19) VCF-style: chr8-10474048-G-A.
Other names: short protein forms A220V.
Identifiers: ClinVar variation 1381742 (VCV001381742.6), dbSNP rs2117213347, ClinGen allele CA370299208.